The following is an entry in ClinVar:

ClinVar aggregate classification (germline): Uncertain significance (1 of 4 stars; one submission).

Submission:

GeneDx
Classification: Uncertain significance. Last evaluated: 2025-06-03. Review status: criteria provided, single submitter. Criteria: GeneDx Variant Classification Process June 2021. Collection method: clinical testing. Allele origin: germline. Affected: yes.
Comment: Not observed at significant frequency in large population cohorts (gnomAD); In silico analysis supports that this missense variant has a deleterious effect on protein structure/function; Has not been previously published as pathogenic or benign to our knowledge

NM_001039591.3(USP9X):c.3716T>A (p.Ile1239Asn)

Gene: USP9X (ubiquitin specific peptidase 9 X-linked; plus strand). Cytogenetic location: Xp11.4.
Variant type: single nucleotide variant.
Coding change: c.3716T>A on transcript NM_001039591.3 (MANE Select); coding-DNA position 3716, T replaced by A.
Protein change: p.Ile1239Asn; replaces isoleucine 1239 with asparagine.
Molecular consequence: missense variant.
Genome position (GRCh38, 1-based): chrX:41,188,023, T>A. VCF-style: chrX-41188023-T-A. GRCh37 (hg19) VCF-style: chrX-41047276-T-A.
Other names: c.3716T>A, p.Ile1239Asn (NM_001039590.3); c.3731T>A, p.Ile1244Asn (NM_001410748.1, NM_001410749.1, NM_001437534.1); short protein forms I1239N, I1244N.
Identifiers: ClinVar variation 4536513 (VCV004536513.1).